The following is an entry in ClinVar:

NM_001127644.2(GABRA1):c.-19T>C

Gene: GABRA1 (gamma-aminobutyric acid type A receptor subunit alpha1; plus strand). Cytogenetic location: 5q34.
Variant type: single nucleotide variant.
Coding change: c.-19T>C on transcript NM_001127644.2 (MANE Select); 19 bases upstream of the start codon, T replaced by C.
Molecular consequence: 5 prime UTR variant.
Genome position (GRCh38, 1-based): chr5:161,848,419, T>C. VCF-style: chr5-161848419-T-C. GRCh37 (hg19) VCF-style: chr5-161275425-T-C.
Other names: c.-19T>C (NM_000806.5, NM_001127643.2).
Identifiers: ClinVar variation 384167 (VCV000384167.1), dbSNP rs1057521883, ClinGen allele CA16604734.

ClinVar aggregate classification (germline): Likely benign (1 of 4 stars; one submission).

Submission:

GeneDx
Classification: Likely benign. Last evaluated: 2016-02-26. Review status: criteria provided, single submitter. Criteria: GeneDx Variant Classification (06012015). Collection method: clinical testing. Allele origin: germline. Affected: yes.
Comment: This variant is considered likely benign or benign based on one or more of the following criteria: it is a conservative change, it occurs at a poorly conserved position in the protein, it is predicted to be benign by multiple in silico algorithms, and/or has population frequency not consistent with disease.